The following is an entry in ClinVar:

NM_004281.4(BAG3):c.1169T>C (p.Val390Ala)

Gene: BAG3 (BAG cochaperone 3; plus strand). Cytogenetic location: 10q26.11.
Variant type: single nucleotide variant.
Coding change: c.1169T>C on transcript NM_004281.4 (MANE Select); coding-DNA position 1169, T replaced by C.
Protein change: p.Val390Ala; replaces valine 390 with alanine.
Molecular consequence: missense variant.
Genome position (GRCh38, 1-based): chr10:119,676,723, T>C. VCF-style: chr10-119676723-T-C. GRCh37 (hg19) VCF-style: chr10-121436235-T-C.
Other names: short protein forms V390A.
Identifiers: ClinVar variation 539155 (VCV000539155.10), dbSNP rs1421913723, ClinGen allele CA378296762.
Genomic context (GRCh38, chr10:119,676,723, plus strand): 5'-CAGTTCCTTGTCCTCCTCCCAGCCCTGGCCCTTCTGCTGTCCCCTCTTCCCCCAAGAGTG[T>C]GGCTACAGAAGAGAGGGCAGCCCCCAGCACTGCCCCTGCAGAAGCTACACCTCCAAAACC-3'
Protein context (NP_004272.2, residues 380-400): PSAVPSSPKS[Val390Ala]ATEERAAPST

ClinVar aggregate classification (germline): Uncertain significance (1 of 4 stars; one submission).

Conditions:
Myofibrillar myopathy 6. Identifiers: Orphanet 199340, MedGen C2751831, MONDO:0013061, OMIM 612954.
Dilated cardiomyopathy 1HH (CMD1HH). Identifiers: Orphanet 154, MedGen C3151293, MONDO:0013479, OMIM 613881.

Allele frequency attached by ClinVar (database versions not stated): gnomAD exomes below 0.00001; TOPMed below 0.00001; gnomAD 0.00001.
gnomAD v4.1: 3 of 1,613,962 alleles (0.00019%); highest among the groups gnomAD compares: Non-Finnish European, 0.00025%; no homozygotes.

Submission:

Labcorp Genetics (formerly Invitae), Labcorp
Classification: Uncertain significance for Dilated cardiomyopathy 1HH; Myofibrillar myopathy 6. Last evaluated: 2024-05-21. Review status: criteria provided, single submitter. Criteria: Invitae Variant Classification Sherloc (09022015). Collection method: clinical testing. Allele origin: germline.
Comment: This sequence change replaces valine, which is neutral and non-polar, with alanine, which is neutral and non-polar, at codon 390 of the BAG3 protein (p.Val390Ala). This variant is not present in population databases (gnomAD no frequency). This variant has not been reported in the literature in individuals affected with BAG3-related conditions. ClinVar contains an entry for this variant (Variation ID: 539155). Advanced modeling of protein sequence and biophysical properties (such as structural, functional, and spatial information, amino acid conservation, physicochemical variation, residue mobility, and thermodynamic stability) performed at Invitae indicates that this missense variant is not expected to disrupt BAG3 protein function with a negative predictive value of 80%. In summary, the available evidence is currently insufficient to determine the role of this variant in disease. Therefore, it has been classified as a Variant of Uncertain Significance.